The following is an entry in ClinVar:

NM_152424.4(AMER1):c.640del (p.Val214fs)

Gene: AMER1 (APC membrane recruitment protein 1; minus strand). Cytogenetic location: Xq11.2.
Variant type: Deletion.
Coding change: c.640del on transcript NM_152424.4 (MANE Select); coding-DNA position 640, one base deleted (G; older notation c.640delG).
Protein change: p.Val214fs; shifts the reading frame from valine 214.
Molecular consequence: frameshift variant.
Genome position (GRCh38, 1-based): chrX:64,192,647, C deleted on the plus strand (G on the coding strand, the reverse complement: AMER1 is on the minus strand); the first of 2 consecutive C bases (chrX:64,192,647-64,192,648); deleting either gives the same sequence. VCF-style (leftmost placement, unchanged base first): chrX-64192646-AC-A. GRCh37 (hg19) VCF-style: chrX-63412526-AC-A.
Other names: c.640delG (NM_152424.4); short protein forms V214fs.
Identifiers: ClinVar variation 998122 (VCV000998122.10), dbSNP rs1930277434, ClinGen allele CA2433379460.

ClinVar aggregate classification (germline): Likely pathogenic. Review status: criteria provided, single submitter (1 of 4 stars). 2 submissions from 2 submitters: Likely pathogenic (1). 1 of the submissions does not count toward it. Last evaluated 2025-07-01.

Conditions:
Colorectal cancer. Also called: Malignant Colorectal Neoplasm; Colorectal cancer, somatic. Identifiers: MedGen C0346629, MONDO:0005575, OMIM 114500.

Submissions (2):

CeGaT Center for Human Genetics Tuebingen
Classification: Likely pathogenic. Last evaluated: 2025-07-01. Review status: criteria provided, single submitter. Criteria: CeGaT Center For Human Genetics Tuebingen Variant Classification Criteria Version 2. Collection method: clinical testing. Allele origin: germline. Affected: yes. Observed: 1 variant allele.
Comment: AMER1: PVS1:Strong, PM2, PS2:Supporting

Genomic Center, National Cancer Institute
Classification: Pathogenic for Colorectal cancer. Review status: no assertion criteria provided. Collection method: case-control. Allele origin: germline. Affected: yes. Not counted in ClinVar's aggregate classification.